The following is an entry in ClinVar:

NM_000083.3(CLCN1):c.2062G>T (p.Gly688Trp)

Genes: CLCN1 (chloride voltage-gated channel 1; plus strand), LOC123956257 (Sharpr-MPRA regulatory region 4117; plus strand). Cytogenetic location: 7q34.
Variant type: single nucleotide variant.
Coding change: c.2062G>T on transcript NM_000083.3 (MANE Select); coding-DNA position 2062, G replaced by T.
Protein change: p.Gly688Trp; replaces glycine 688 with tryptophan.
Molecular consequence: missense variant. On other transcripts: non-coding transcript variant (1).
Genome position (GRCh38, 1-based): chr7:143,345,652, G>T. VCF-style: chr7-143345652-G-T. GRCh37 (hg19) VCF-style: chr7-143042745-G-T.
Other names: short protein forms G688W.
Identifiers: ClinVar variation 962677 (VCV000962677.10), dbSNP rs1563087092, ClinGen allele CA369650185.
Genomic context (GRCh38, chr7:143,345,652, plus strand): 5'-GAGCGCAGGCTGCGCGCAGCCCAAGAGATGGCGCGGAAGTTGTCGGAGCTGCCTTACGAC[G>T]GGAAGGCGCGGCTGGCTGGGGAGGGGCTCCCCGGCGCGCCTCCAGGCCGGCCCGAGTCCT-3'
Protein context (NP_000074.3, residues 678-698): ARKLSELPYD[Gly688Trp]KARLAGEGLP

ClinVar aggregate classification (germline): Likely pathogenic (1 of 4 stars; one submission).

Conditions:
Congenital myotonia, autosomal dominant form (THD). Also called: THOMSEN DISEASE; Myotonia congenita autosomal dominant. Identifiers: Orphanet 614, MedGen C2936781, MONDO:0008055, OMIM 160800.
Congenital myotonia, autosomal recessive form. Also called: BECKER DISEASE; Becker Generalized Myotonia; myotonia congenita, autosomal recessive. Identifiers: Orphanet 614, MedGen C0751360, MONDO:0009715, OMIM 255700.

Allele frequency attached by ClinVar (database versions not stated): 1000 Genomes Project 30x 0.00016.

Submission:

Labcorp Genetics (formerly Invitae), Labcorp
Classification: Likely pathogenic for Congenital myotonia, autosomal recessive form; Congenital myotonia, autosomal dominant form. Last evaluated: 2024-08-31. Review status: criteria provided, single submitter. Criteria: Invitae Variant Classification Sherloc (09022015). Collection method: clinical testing. Allele origin: germline.
Comment: This sequence change replaces glycine, which is neutral and non-polar, with tryptophan, which is neutral and slightly polar, at codon 688 of the CLCN1 protein (p.Gly688Trp). This variant is present in population databases (no rsID available, gnomAD 0.001%). This missense change has been observed in individual(s) with autosomal recessive myotonia congenita (internal data). In at least one individual the data is consistent with being in trans (on the opposite chromosome) from a pathogenic variant. ClinVar contains an entry for this variant (Variation ID: 962677). Invitae Evidence Modeling of protein sequence and biophysical properties (such as structural, functional, and spatial information, amino acid conservation, physicochemical variation, residue mobility, and thermodynamic stability) has been performed for this missense variant. However, the output from this modeling did not meet the statistical confidence thresholds required to predict the impact of this variant on CLCN1 protein function. In summary, the currently available evidence indicates that the variant is pathogenic, but additional data are needed to prove that conclusively. Therefore, this variant has been classified as Likely Pathogenic.